The following is an entry in ClinVar:

ClinVar aggregate classification (germline): Uncertain significance (1 of 4 stars; one submission).

Conditions:
RAI1-related disorder. Also called: RAI1-related condition.

Submission:

PreventionGenetics, part of Exact Sciences
Classification: Uncertain significance for RAI1-related condition. Last evaluated: 2026-06-22. Review status: criteria provided, single submitter. Criteria: ACMG Guidelines, 2015. Collection method: clinical testing. Allele origin: germline.
Comment: The RAI1 c.3662C>A variant is predicted to result in the amino acid substitution p.Ala1221Glu. To our knowledge, this variant has not been reported in the literature. This variant is reported in 0.00088% of alleles in individuals of European (Non-Finnish) descent in gnomAD. At this time, the clinical significance of this variant is uncertain due to the absence of conclusive functional and genetic evidence.

NM_030665.4(RAI1):c.3662C>A (p.Ala1221Glu)

Gene: RAI1 (retinoic acid induced 1; plus strand). Cytogenetic location: 17p11.2.
Variant type: single nucleotide variant.
Coding change: c.3662C>A on transcript NM_030665.4 (MANE Select); coding-DNA position 3662, C replaced by A.
Protein change: p.Ala1221Glu; replaces alanine 1221 with glutamic acid.
Molecular consequence: missense variant.
Genome position (GRCh38, 1-based): chr17:17,796,610, C>A. VCF-style: chr17-17796610-C-A. GRCh37 (hg19) VCF-style: chr17-17699924-C-A.
Other names: short protein forms A1221E.
Identifiers: ClinVar variation 4990310 (VCV004990310.1).